The following is an entry in ClinVar:

ClinVar aggregate classification (germline): Pathogenic (1 of 4 stars; one submission).

Submission:

CeGaT Center for Human Genetics Tuebingen
Classification: Pathogenic. Last evaluated: 2023-08-01. Review status: criteria provided, single submitter. Criteria: CeGaT Center For Human Genetics Tuebingen Variant Classification Criteria Version 2. Collection method: clinical testing. Allele origin: germline. Affected: yes. Observed: 1 variant allele.
Comment: NFIX: PVS1, PS2, PM2

NM_001365902.3(NFIX):c.977C>A (p.Ser326Ter)

Gene: NFIX (nuclear factor I X; plus strand). Cytogenetic location: 19p13.13.
Variant type: single nucleotide variant.
Coding change: c.977C>A on transcript NM_001365902.3 (MANE Select); coding-DNA position 977, C replaced by A.
Protein change: p.Ser326Ter; replaces serine 326 with a stop codon.
Molecular consequence: nonsense. On other transcripts: intron variant (1).
Genome position (GRCh38, 1-based): chr19:13,078,634, C>A. VCF-style: chr19-13078634-C-A. GRCh37 (hg19) VCF-style: chr19-13189448-C-A.
Other names: c.955+2963C>A (NM_001365982.2); c.1001C>A, p.Ser334Ter (NM_001271043.2); c.953C>A, p.Ser318Ter (NM_001271044.3, NM_001378404.1); c.836C>A, p.Ser279Ter (NM_001365983.2); c.974C>A, p.Ser325Ter (NM_001365984.2, NM_001365985.2); c.1025C>A, p.Ser342Ter (NM_001378405.1); c.977C>A, p.Ser326Ter (NM_002501.4); short protein forms S279*, S318*, S325*, S326*, S334*, S342*.
Identifiers: ClinVar variation 2578817 (VCV002578817.25), dbSNP rs2512964988, ClinGen allele CA404300430.